The following is an entry in ClinVar:

NM_000548.5(TSC2):c.1943A>C (p.Tyr648Ser)

Gene: TSC2 (TSC complex subunit 2; plus strand). Cytogenetic location: 16p13.3.
Variant type: single nucleotide variant.
Coding change: c.1943A>C on transcript NM_000548.5 (MANE Select); coding-DNA position 1943, A replaced by C.
Protein change: p.Tyr648Ser; replaces tyrosine 648 with serine.
Molecular consequence: missense variant.
Genome position (GRCh38, 1-based): chr16:2,071,613, A>C. VCF-style: chr16-2071613-A-C. GRCh37 (hg19) VCF-style: chr16-2121614-A-C.
Other names: c.1943A>C, p.Tyr648Ser (NM_001077183.3, NM_001114382.3, NM_001363528.2 and 6 more transcripts); c.1832A>C, p.Tyr611Ser (NM_001318827.2, NM_001406678.1, NM_001406670.1); c.1796A>C, p.Tyr599Ser (NM_001318829.2, NM_001406675.1, NM_001406676.1 and 1 more transcripts); c.1343A>C, p.Tyr448Ser (NM_001318831.2, NM_001406680.1, NM_001406682.1 and 6 more transcripts); c.1976A>C, p.Tyr659Ser (NM_001318832.2); c.1886A>C, p.Tyr629Ser (NM_001406677.1); c.1481A>C, p.Tyr494Ser (NM_001406681.1); c.599A>C, p.Tyr200Ser (NM_001406694.1, NM_001406695.1, NM_001406696.1 and 6 more transcripts); and 3 more; short protein forms Y114S, Y494S, Y200S, Y599S, Y678S, Y611S, Y644S, Y648S.
Identifiers: ClinVar variation 2003703 (VCV002003703.5), dbSNP rs1204327898, ClinGen allele CA394273399.

ClinVar aggregate classification (germline): Uncertain significance. Review status: criteria provided, multiple submitters, no conflicts (2 of 4 stars). 2 submissions from 2 submitters: Uncertain significance (2). Last evaluated 2025-05-19.

Conditions:
Hereditary cancer-predisposing syndrome. Also called: Hereditary Cancer Syndrome; Tumor predisposition; Hereditary neoplastic syndrome; Neoplastic Syndromes, Hereditary. Identifiers: Orphanet 140162, MedGen C0027672, MeSH D009386, MONDO:0015356.
Tuberous sclerosis 2 (TSC2). Identifiers: Orphanet 805, MedGen C1860707, MONDO:0013199, OMIM 613254.

Submissions (2):

Ambry Genetics
Classification: Uncertain significance for Hereditary cancer-predisposing syndrome. Last evaluated: 2025-05-19. Review status: criteria provided, single submitter. Criteria: Ambry Variant Classification Scheme 2023. Collection method: clinical testing. Allele origin: germline.
Comment: The p.Y648S variant (also known as c.1943A>C), located in coding exon 17 of the TSC2 gene, results from an A to C substitution at nucleotide position 1943. The tyrosine at codon 648 is replaced by serine, an amino acid with dissimilar properties. This amino acid position is conserved. In addition, this alteration is predicted to be tolerated by in silico analysis. Based on the available evidence, the clinical significance of this variant remains unclear.

Labcorp Genetics (formerly Invitae), Labcorp
Classification: Uncertain significance for Tuberous sclerosis 2. Last evaluated: 2025-03-09. Review status: criteria provided, single submitter. Criteria: Invitae Variant Classification Sherloc (09022015). Collection method: clinical testing. Allele origin: germline.
Comment: This sequence change replaces tyrosine, which is neutral and polar, with serine, which is neutral and polar, at codon 648 of the TSC2 protein (p.Tyr648Ser). This variant is not present in population databases (gnomAD no frequency). This variant has not been reported in the literature in individuals affected with TSC2-related conditions. ClinVar contains an entry for this variant (Variation ID: 2003703). Invitae Evidence Modeling of protein sequence and biophysical properties (such as structural, functional, and spatial information, amino acid conservation, physicochemical variation, residue mobility, and thermodynamic stability) indicates that this missense variant is not expected to disrupt TSC2 protein function with a negative predictive value of 95%. In summary, the available evidence is currently insufficient to determine the role of this variant in disease. Therefore, it has been classified as a Variant of Uncertain Significance.